The following is an entry in ClinVar:

ClinVar aggregate classification (germline): Uncertain significance. Review status: criteria provided, multiple submitters, no conflicts (2 of 4 stars). 2 submissions from 2 submitters: Uncertain significance (2). Last evaluated 2024-08-31.

Conditions:
Tolchin-Le Caignec syndrome. Also called: INTELLECTUAL DEVELOPMENTAL DISORDER WITH BEHAVIORAL ABNORMALITIES AND VARIABLE BONE DEFECTS. Identifiers: MedGen C5436509, MONDO:0033544, OMIM 618971.

Submissions (2):

Laboratorio de Genetica e Diagnostico Molecular, Hospital Israelita Albert Einstein
Classification: Uncertain significance for Tolchin-Le Caignec syndrome. Last evaluated: 2024-08-31. Review status: criteria provided, single submitter. Criteria: ACMG Guidelines, 2015. Collection method: clinical testing. Allele origin: germline. Affected: yes.
Comment: ACMG classification criteria: PM2 supporting, PP2 supporting

GeneDx
Classification: Uncertain significance. Last evaluated: 2022-04-29. Review status: criteria provided, single submitter. Criteria: GeneDx Variant Classification Process June 2021. Collection method: clinical testing. Allele origin: germline. Affected: yes.
Comment: Has not been previously published as pathogenic or benign to our knowledge; Not observed at significant frequency in large population cohorts (gnomAD); In silico analysis supports that this missense variant has a deleterious effect on protein structure/function

NM_001367873.1(SOX6):c.756T>A (p.Asn252Lys)

Gene: SOX6 (SRY-box transcription factor 6; minus strand). Cytogenetic location: 11p15.2.
Variant type: single nucleotide variant.
Coding change: c.756T>A on transcript NM_001367873.1 (MANE Select); coding-DNA position 756, T replaced by A.
Protein change: p.Asn252Lys; replaces asparagine 252 with lysine.
Molecular consequence: missense variant.
Genome position (GRCh38, 1-based): chr11:16,183,907, A>T on the plus strand (T>A on the coding strand, the complement: SOX6 is on the minus strand). VCF-style: chr11-16183907-A-T. GRCh37 (hg19) VCF-style: chr11-16205453-A-T.
Other names: c.756T>A, p.Asn252Lys (NM_001145811.2, NM_001145819.2, NM_001367872.1 and 2 more transcripts); short protein forms N252K.
Identifiers: ClinVar variation 1712756 (VCV001712756.3), dbSNP rs2494514634, ClinGen allele CA379877555.